The following is an entry in ClinVar:

NM_001854.4(COL11A1):c.626G>A (p.Arg209Lys)

Gene: COL11A1 (collagen type XI alpha 1 chain; minus strand). Cytogenetic location: 1p21.1.
Variant type: single nucleotide variant.
Coding change: c.626G>A on transcript NM_001854.4 (MANE Select); coding-DNA position 626, G replaced by A.
Protein change: p.Arg209Lys; replaces arginine 209 with lysine.
Molecular consequence: missense variant. On other transcripts: non-coding transcript variant (1).
Genome position (GRCh38, 1-based): chr1:103,074,643, C>T on the plus strand (G>A on the coding strand, the complement: COL11A1 is on the minus strand). VCF-style: chr1-103074643-C-T. GRCh37 (hg19) VCF-style: chr1-103540199-C-T.
Other names: c.626G>A, p.Arg209Lys (NM_001168249.1, NM_001190709.2, NM_080629.3 and 1 more transcripts); short protein forms R209K.
Identifiers: ClinVar variation 2816005 (VCV002816005.3), dbSNP rs2526144767, ClinGen allele CA341166193.
Genomic context (GRCh38, chr1:103,074,643, plus strand): 5'-GTCAATATTCAGCTTAGAGTTGGATTTATTTTTACCTCAAAAACTTCTTCATCCAAAATC[C>T]TTGTTCCAAAAACCGTGATTCCATTGGTATCAACAATTGCTCTCTCACTTCTATCAAGTG-3'
Protein context (NP_001845.3, residues 199-219): DTNGITVFGT[Arg209Lys]ILDEEVFEGD

ClinVar aggregate classification (germline): Uncertain significance (1 of 4 stars; one submission).

Allele frequency attached by ClinVar (database versions not stated): gnomAD exomes below 0.00001.
gnomAD v4.1: 1 of 1,613,200 alleles (0.000062%); highest among the groups gnomAD compares: Non-Finnish European, 0.000085%; no homozygotes.

Submission:

Labcorp Genetics (formerly Invitae), Labcorp
Classification: Uncertain significance. Last evaluated: 2025-12-01. Review status: criteria provided, single submitter. Criteria: Invitae Variant Classification Sherloc (09022015). Collection method: clinical testing. Allele origin: germline.
Comment: This sequence change replaces arginine, which is basic and polar, with lysine, which is basic and polar, at codon 209 of the COL11A1 protein (p.Arg209Lys). This variant is not present in population databases (gnomAD no frequency). This variant has not been reported in the literature in individuals affected with COL11A1-related conditions. ClinVar contains an entry for this variant (Variation ID: 2816005). Invitae Evidence Modeling of protein sequence and biophysical properties (such as structural, functional, and spatial information, amino acid conservation, physicochemical variation, residue mobility, and thermodynamic stability) indicates that this missense variant is not expected to disrupt COL11A1 protein function with a negative predictive value of 95%. In summary, the available evidence is currently insufficient to determine the role of this variant in disease. Therefore, it has been classified as a Variant of Uncertain Significance.